The following is an entry in ClinVar:

ClinVar aggregate classification (germline): Uncertain significance. Review status: criteria provided, multiple submitters, no conflicts (2 of 4 stars). 2 submissions from 2 submitters: Uncertain significance (2). Last evaluated 2025-06-11.

Conditions:
Hereditary cancer-predisposing syndrome. Also called: Tumor predisposition; Hereditary neoplastic syndrome; Neoplastic Syndromes, Hereditary; Hereditary Cancer Syndrome. Identifiers: Orphanet 140162, MedGen C0027672, MeSH D009386, MONDO:0015356.

Submissions (2):

Labcorp Genetics (formerly Invitae), Labcorp
Classification: Uncertain significance. Last evaluated: 2025-06-11. Review status: criteria provided, single submitter. Criteria: Invitae Variant Classification Sherloc (09022015). Collection method: clinical testing. Allele origin: germline.
Comment: This sequence change replaces methionine, which is neutral and non-polar, with valine, which is neutral and non-polar, at codon 121 of the FH protein (p.Met121Val). This variant is not present in population databases (gnomAD no frequency). This variant has not been reported in the literature in individuals affected with FH-related conditions. ClinVar contains an entry for this variant (Variation ID: 2159027). Invitae Evidence Modeling of protein sequence and biophysical properties (such as structural, functional, and spatial information, amino acid conservation, physicochemical variation, residue mobility, and thermodynamic stability) indicates that this missense variant is not expected to disrupt FH protein function with a negative predictive value of 95%. In summary, the available evidence is currently insufficient to determine the role of this variant in disease. Therefore, it has been classified as a Variant of Uncertain Significance.

Ambry Genetics
Classification: Uncertain significance for Hereditary cancer-predisposing syndrome. Last evaluated: 2025-03-08. Review status: criteria provided, single submitter. Criteria: Ambry Variant Classification Scheme 2023. Collection method: clinical testing. Allele origin: germline.
Comment: The p.M121V variant (also known as c.361A>G), located in coding exon 3 of the FH gene, results from an A to G substitution at nucleotide position 361. The methionine at codon 121 is replaced by valine, an amino acid with highly similar properties. This amino acid position is conserved. In addition, the in silico prediction for this alteration is inconclusive. Based on the available evidence, the clinical significance of this variant remains unclear.

NM_000143.4(FH):c.361A>G (p.Met121Val)

Gene: FH (fumarate hydratase; minus strand). Cytogenetic location: 1q43.
Variant type: single nucleotide variant.
Coding change: c.361A>G on transcript NM_000143.4 (MANE Select); coding-DNA position 361, A replaced by G.
Protein change: p.Met121Val; replaces methionine 121 with valine.
Molecular consequence: missense variant.
Genome position (GRCh38, 1-based): chr1:241,513,620, T>C on the plus strand (A>G on the coding strand, the complement: FH is on the minus strand). VCF-style: chr1-241513620-T-C. GRCh37 (hg19) VCF-style: chr1-241676920-T-C.
Other names: short protein forms M121V.
Identifiers: ClinVar variation 2159027 (VCV002159027.3), dbSNP rs76196814, ClinGen allele CA345440510.
Genomic context (GRCh38, chr1:241,513,620, plus strand): 5'-ATGGGTCTGAGGTTATTAAGCAAACACACTTATCACCTCCTACCTCATCTGCTGCCTTCA[T>C]TATTGCATTAGCAATCTTTGGATCAAGACCATAATCCTGGTTTACTTCAGCGGCCGCTCG-3'
Protein context (NP_000134.2, residues 111-131): GLDPKIANAI[Met121Val]KAADEVAEGK